The following is an entry in ClinVar:

ClinVar aggregate classification (germline): Uncertain significance (1 of 4 stars; one submission).

Conditions:
Gorlin syndrome. Also called: Nevoid Basal Cell Carcinoma Syndrome; Basal cell nevus syndrome. Identifiers: Orphanet 377, MedGen C0004779, MONDO:0007187.

Allele frequency attached by ClinVar (database versions not stated): gnomAD 0.00001 and 0.00003; gnomAD exomes 0.00001 and 0.00003; TOPMed 0.00001.

Submission:

Labcorp Genetics (formerly Invitae), Labcorp
Classification: Uncertain significance for Gorlin syndrome. Last evaluated: 2022-06-17. Review status: criteria provided, single submitter. Criteria: Invitae Variant Classification Sherloc (09022015). Collection method: clinical testing. Allele origin: germline.
Comment: In summary, the available evidence is currently insufficient to determine the role of this variant in disease. Therefore, it has been classified as a Variant of Uncertain Significance. Experimental studies and prediction algorithms are not available or were not evaluated, and the functional significance of this variant is currently unknown. This variant has not been reported in the literature in individuals affected with PTCH2-related conditions. This variant is present in population databases (no rsID available, gnomAD 0.003%). This sequence change results in a frameshift in the PTCH2 gene (p.Leu1169Argfs*85). While this is not anticipated to result in nonsense mediated decay, it is expected to disrupt the last 35 amino acid(s) of the PTCH2 protein and extend the protein by 49 additional amino acid residues.

NM_003738.5(PTCH2):c.3506del (p.Leu1169fs)

Gene: PTCH2 (patched 2; minus strand). Cytogenetic location: 1p34.1.
Variant type: Deletion.
Coding change: c.3506del on transcript NM_003738.5 (MANE Select); coding-DNA position 3506, one base deleted (T; older notation c.3506delT).
Protein change: p.Leu1169fs; shifts the reading frame from leucine 1169.
Molecular consequence: frameshift variant. On other transcripts: intron variant (1).
Genome position (GRCh38, 1-based): chr1:44,822,521, A deleted on the plus strand (T on the coding strand, the reverse complement: PTCH2 is on the minus strand). VCF-style (leftmost placement, unchanged base first): chr1-44822520-CA-C. GRCh37 (hg19) VCF-style: chr1-45288192-CA-C.
Other names: c.3425+81del (NM_001166292.2); short protein forms L1169fs.
Identifiers: ClinVar variation 1488927 (VCV001488927.6), dbSNP rs1049941528, ClinGen allele CA21804872.
Genomic context (GRCh38, chr1:44,822,520, plus strand): 5'-GCTAGTGGCAGCAGGGGACCAAGGGGGCTCATCAGGGGCTGGATGGATGTAGGCACCAGG[CA>C]GGGGGGGTGGGTGGATGGCCACGGTCATGGAGGTAGTCACTCTGGCAAAGCTCTGGGGCA-3'